The following is an entry in ClinVar:

ClinVar aggregate classification (germline): Pathogenic (1 of 4 stars; one submission).

Conditions:
Inborn genetic diseases. Identifiers: MedGen C0950123, MeSH D030342.

Submission:

Ambry Genetics
Classification: Pathogenic for Inborn genetic diseases. Last evaluated: 2026-01-02. Review status: criteria provided, single submitter. Criteria: Ambry Variant Classification Scheme 2023. Collection method: clinical testing. Allele origin: germline.
Comment: The c.449delG pathogenic mutation, located in coding exon 3 of the MBD4 gene, results from a deletion of one nucleotide at nucleotide position 449, causing a translational frameshift with a predicted alternate stop codon (p.G150Vfs*14). This variant is considered to be rare based on population cohorts in the Genome Aggregation Database (gnomAD). This alteration is expected to result in loss of function by premature protein truncation or nonsense-mediated mRNA decay. As such, this alteration is interpreted as a disease-causing mutation.

NM_001276270.2(MBD4):c.449del (p.Gly150fs)

Gene: MBD4 (methyl-CpG binding domain 4, DNA glycosylase; minus strand). Cytogenetic location: 3q21.3.
Variant type: Deletion.
Coding change: c.449del on transcript NM_001276270.2 (MANE Select); coding-DNA position 449, one base deleted (G; older notation c.449delG).
Protein change: p.Gly150fs; shifts the reading frame from glycine 150.
Molecular consequence: frameshift variant. On other transcripts: intron variant (1).
Genome position (GRCh38, 1-based): chr3:129,437,195, C deleted on the plus strand (G on the coding strand, the reverse complement: MBD4 is on the minus strand); the first of 4 consecutive C bases (chr3:129,437,195-129,437,198); deleting any one gives the same sequence. VCF-style (leftmost placement, unchanged base first): chr3-129437194-AC-A. GRCh37 (hg19) VCF-style: chr3-129156037-AC-A.
Other names: c.247+613del (NM_001276273.2); c.449delG (NM_001276270.2); c.449del, p.Gly150fs (NM_001276271.2, NM_001276272.2, NM_003925.3); short protein forms G150fs.
Identifiers: ClinVar variation 4844100 (VCV004844100.1).
Genomic context (GRCh38, chr3:129,437,194, plus strand): 5'-TTGGTTTTGTAGATGGGATGTCAGGGCTGCCATGCTGCAGTCTTTATATCTTGACTTGAT[AC>A]CCCTTTTAGAAAGTACAGTAAAATCAAAATCTTCTGGCTTAAGAGAAGTCTCTCCATTTT-3'